The following is an entry in ClinVar:

NM_000038.6(APC):c.5906del (p.Leu1969fs)

Gene: APC (APC regulator of Wnt signaling pathway; plus strand). Cytogenetic location: 5q22.2.
Variant type: Deletion.
Coding change: c.5906del on transcript NM_000038.6 (MANE Select); coding-DNA position 5906, one base deleted (T; older notation c.5906delT).
Protein change: p.Leu1969fs; shifts the reading frame from leucine 1969.
Molecular consequence: frameshift variant. On other transcripts: non-coding transcript variant (2).
Genome position (GRCh38, 1-based): chr5:112,841,500, T deleted. VCF-style (leftmost placement, unchanged base first): chr5-112841499-CT-C. GRCh37 (hg19) VCF-style: chr5-112177196-CT-C.
Other names: c.5906del, p.Leu1969fs (NM_001127510.3, NM_001354895.2, NM_001407450.1); c.5852del, p.Leu1951fs (NM_001127511.3); c.5960del, p.Leu1987fs (NM_001354896.2, NM_001407447.1, NM_001407448.1 and 1 more transcripts); c.5936del, p.Leu1979fs (NM_001354897.2); c.5831del, p.Leu1944fs (NM_001354898.2); c.5822del, p.Leu1941fs (NM_001354899.2); c.5783del, p.Leu1928fs (NM_001354900.2); c.5729del, p.Leu1910fs (NM_001354901.2, NM_001407453.1); and 11 more; short protein forms L1585fs, L1686fs, L1809fs, L1840fs, L1843fs, L1868fs, L1878fs, L1886fs.
Identifiers: ClinVar variation 2583906 (VCV002583906.1), dbSNP rs2533676440, ClinGen allele CA2582341486.

ClinVar aggregate classification (germline): Pathogenic (1 of 4 stars; one submission).

Conditions:
Familial adenomatous polyposis 1 (FAP1). Also called: FAMILIAL ADENOMATOUS POLYPOSIS 1, ATTENUATED; POLYPOSIS, ADENOMATOUS INTESTINAL. Identifiers: MedGen C2713442, MONDO:0021056, OMIM 175100. Disease mechanism: loss of function.

Submission:

Myriad Genetics, Inc.
Classification: Pathogenic for Familial adenomatous polyposis 1. Last evaluated: 2023-05-15. Review status: criteria provided, single submitter. Criteria: Myriad Autosomal Dominant, Autosomal Recessive and X-Linked Classification Criteria (2023). Collection method: clinical testing. Allele origin: unknown.
Comment: This variant is considered pathogenic. This variant creates a frameshift predicted to result in premature protein truncation.